The following is an entry in ClinVar:

NM_005245.4(FAT1):c.1036C>G (p.Gln346Glu)

Gene: FAT1 (FAT atypical cadherin 1; minus strand). Cytogenetic location: 4q35.2.
Variant type: single nucleotide variant.
Coding change: c.1036C>G on transcript NM_005245.4 (MANE Select); coding-DNA position 1036, C replaced by G.
Protein change: p.Gln346Glu; replaces glutamine 346 with glutamic acid.
Molecular consequence: missense variant.
Genome position (GRCh38, 1-based): chr4:186,708,792, G>C on the plus strand (C>G on the coding strand, the complement: FAT1 is on the minus strand). VCF-style: chr4-186708792-G-C. GRCh37 (hg19) VCF-style: chr4-187629946-G-C.
Other names: short protein forms Q346E.
Identifiers: ClinVar variation 3093014 (VCV003093014.4), dbSNP rs946092065, ClinGen allele CA112182777.

ClinVar aggregate classification (germline): Uncertain significance. Review status: criteria provided, multiple submitters, no conflicts (2 of 4 stars). 3 submissions from 3 submitters: Uncertain significance (3). Last evaluated 2024-09-19.

Conditions:
Inborn genetic diseases. Identifiers: MedGen C0950123, MeSH D030342.

Allele frequency attached by ClinVar (database versions not stated): gnomAD exomes 0.00002; gnomAD 0.00003.
gnomAD v4.1: 29 of 1,613,864 alleles (0.0018%); highest among the groups gnomAD compares: Non-Finnish European, 0.0022%; no homozygotes.

Submissions (3):

Blueprint Genetics
Classification: Uncertain significance. Last evaluated: 2024-09-19. Review status: criteria provided, single submitter. Criteria: ACMG Guidelines, 2015. Collection method: clinical testing. Allele origin: germline.

Ambry Genetics
Classification: Uncertain significance for Inborn genetic diseases. Last evaluated: 2024-02-17. Review status: criteria provided, single submitter. Criteria: Ambry Variant Classification Scheme 2023. Collection method: clinical testing. Allele origin: germline.

Labcorp Genetics (formerly Invitae), Labcorp
Classification: Uncertain significance. Last evaluated: 2024-02-10. Review status: criteria provided, single submitter. Criteria: Invitae Variant Classification Sherloc (09022015). Collection method: clinical testing. Allele origin: germline.
Comment: This sequence change replaces glutamine, which is neutral and polar, with glutamic acid, which is acidic and polar, at codon 346 of the FAT1 protein (p.Gln346Glu). This variant is present in population databases (no rsID available, gnomAD 0.002%). This variant has not been reported in the literature in individuals affected with FAT1-related conditions. An algorithm developed to predict the effect of missense changes on protein structure and function (PolyPhen-2) suggests that this variant is likely to be tolerated. In summary, the available evidence is currently insufficient to determine the role of this variant in disease. Therefore, it has been classified as a Variant of Uncertain Significance.